The following is an entry in ClinVar:

NM_005630.3(SLCO2A1):c.1186G>A (p.Ala396Thr)

Gene: SLCO2A1 (solute carrier organic anion transporter family member 2A1; minus strand). Cytogenetic location: 3q22.1.
Variant type: single nucleotide variant.
Coding change: c.1186G>A on transcript NM_005630.3 (MANE Select); coding-DNA position 1186, G replaced by A.
Protein change: p.Ala396Thr; replaces alanine 396 with threonine.
Molecular consequence: missense variant.
Genome position (GRCh38, 1-based): chr3:133,947,365, C>T on the plus strand (G>A on the coding strand, the complement: SLCO2A1 is on the minus strand). VCF-style: chr3-133947365-C-T. GRCh37 (hg19) VCF-style: chr3-133666209-C-T.
Other names: short protein forms A396T.
Identifiers: ClinVar variation 1241442 (VCV001241442.11), dbSNP rs34550074, ClinGen allele CA2626545.
Genomic context (GRCh38, chr3:133,947,365, plus strand): 5'-ACAAAGGAACACAAAGGATCATGGAGATGGTGATGATGGTGGTAGCTATGCGGGGAATGG[C>T]TTGTAGAGAGAAAACAAAGCGCTTCATGAGGATTCCTCCAAACAGCATCCCCAAGGCTGC-3'
Protein context (NP_005621.2, residues 386-406): LMKRFVFSLQ[Ala396Thr]IPRIATTIIT

ClinVar aggregate classification (germline): Benign. Review status: criteria provided, multiple submitters, no conflicts (2 of 4 stars). 3 submissions from 3 submitters: Benign (3). Last evaluated 2026-02-04.

Allele frequency attached by ClinVar (database versions not stated): gnomAD exomes 0.20681 and 0.23824; gnomAD 0.26948 and 0.27412; ExAC 0.23411; 1000 Genomes Project 0.28375; 1000 Genomes Project 30x 0.28966; ESP Exome Variant Server 0.26257; TOPMed 0.27811.
gnomAD v4.1: 343,287 of 1,613,572 alleles (21%); highest among the groups gnomAD compares: African/African-American, 41%; 39,192 homozygotes.

Submissions (3):

Labcorp Genetics (formerly Invitae), Labcorp
Classification: Benign. Last evaluated: 2026-02-04. Review status: criteria provided, single submitter. Criteria: Invitae Variant Classification Sherloc (09022015). Collection method: clinical testing. Allele origin: germline.

GeneDx
Classification: Benign. Last evaluated: 2018-11-12. Review status: criteria provided, single submitter. Criteria: GeneDx Variant Classification Process June 2021. Collection method: clinical testing. Allele origin: germline. Affected: yes.
Comment: This variant is associated with the following publications: (PMID: 28783044)

Breakthrough Genomics
Classification: Benign. Review status: criteria provided, single submitter. Criteria: ACMG Guidelines, 2015. Collection method: not provided. Allele origin: germline. Inheritance: Autosomal recessive inheritance. Affected: yes.